The following is an entry in ClinVar:

NM_018474.6(KIZ):c.499A>G (p.Ile167Val)

Gene: KIZ (kizuna centrosomal protein; plus strand). Cytogenetic location: 20p11.23.
Variant type: single nucleotide variant.
Coding change: c.499A>G on transcript NM_018474.6 (MANE Select); coding-DNA position 499, A replaced by G.
Protein change: p.Ile167Val; replaces isoleucine 167 with valine.
Molecular consequence: missense variant.
Genome position (GRCh38, 1-based): chr20:21,161,964, A>G. VCF-style: chr20-21161964-A-G. GRCh37 (hg19) VCF-style: chr20-21142605-A-G.
Other names: c.190A>G, p.Ile64Val (NM_001163022.3, NM_001352435.2); c.100A>G, p.Ile34Val (NM_001163023.3); c.352A>G, p.Ile118Val (NM_001276389.2); c.499A>G, p.Ile167Val (NM_001352434.2); c.157A>G, p.Ile53Val (NM_001352436.2); short protein forms I118V, I64V, I34V, I53V, I167V.
Identifiers: ClinVar variation 850610 (VCV000850610.9), dbSNP rs773676832, ClinGen allele CA9784658.

ClinVar aggregate classification (germline): Uncertain significance (1 of 4 stars; one submission).

Allele frequency attached by ClinVar (database versions not stated): gnomAD exomes 0.00001 and 0.00003; ExAC 0.00002.
gnomAD v4.1: 8 of 1,613,974 alleles (0.0005%); highest among the groups gnomAD compares: Admixed American, 0.01%; no homozygotes.

Submission:

Labcorp Genetics (formerly Invitae), Labcorp
Classification: Uncertain significance. Last evaluated: 2024-02-17. Review status: criteria provided, single submitter. Criteria: Invitae Variant Classification Sherloc (09022015). Collection method: clinical testing. Allele origin: germline.
Comment: This sequence change replaces isoleucine with valine at codon 167 of the KIZ protein (p.Ile167Val). There is a small physicochemical difference between isoleucine and valine. This variant is present in population databases (rs773676832, gnomAD 0.01%). This variant has not been reported in the literature in individuals affected with KIZ-related conditions. ClinVar contains an entry for this variant (Variation ID: 850610). Experimental studies and prediction algorithms are not available or were not evaluated, and the functional significance of this variant is currently unknown. In summary, the available evidence is currently insufficient to determine the role of this variant in disease. Therefore, it has been classified as a Variant of Uncertain Significance.